The following is an entry in ClinVar:

ClinVar aggregate classification (germline): Uncertain significance (1 of 4 stars; one submission).

gnomAD v4.1: 2 of 1,611,016 alleles (0.00012%); highest among the groups gnomAD compares: Non-Finnish European, 0.00017%; no homozygotes.

Submission:

Labcorp Genetics (formerly Invitae), Labcorp
Classification: Uncertain significance. Last evaluated: 2024-05-15. Review status: criteria provided, single submitter. Criteria: Invitae Variant Classification Sherloc (09022015). Collection method: clinical testing. Allele origin: germline.
Comment: This sequence change replaces leucine, which is neutral and non-polar, with phenylalanine, which is neutral and non-polar, at codon 531 of the GP6 protein (p.Leu531Phe). This variant is not present in population databases (gnomAD no frequency). This variant has not been reported in the literature in individuals affected with GP6-related conditions. An algorithm developed to predict the effect of missense changes on protein structure and function (PolyPhen-2) suggests that this variant is likely to be disruptive. In summary, the available evidence is currently insufficient to determine the role of this variant in disease. Therefore, it has been classified as a Variant of Uncertain Significance.

NM_016363.5(GP6):c.*567C>T

Gene: GP6 (glycoprotein VI platelet; minus strand). Cytogenetic location: 19q13.42.
Variant type: single nucleotide variant.
Coding change: c.*567C>T on transcript NM_016363.5 (MANE Select); 567 bases downstream of the stop codon, C replaced by T.
Molecular consequence: 3 prime UTR variant. On other transcripts: missense variant (1).
Genome position (GRCh38, 1-based): chr19:55,014,354, G>A on the plus strand (C>T on the coding strand, the complement: GP6 is on the minus strand). VCF-style: chr19-55014354-G-A. GRCh37 (hg19) VCF-style: chr19-55525722-G-A.
Other names: c.1591C>T, p.Leu531Phe (NM_001083899.2); c.*567C>T (NM_001256017.2); short protein forms L531F.
Identifiers: ClinVar variation 3674547 (VCV003674547.2).
Genomic context (GRCh38, chr19:55,014,354, plus strand): 5'-GGTAGAGATGAGGTTTCACCATGTTGCACAGGCTGATCTTGTTTTCTAATGTGAAGGGAA[G>A]CGGGCAACGTGCTAGTTTTACACTAAGGAAAATGAATGACATACCCAAACTGCCTGCAAG-3'